The following is an entry in ClinVar:

NM_031935.3(HMCN1):c.16142A>G (p.Asn5381Ser)

Gene: HMCN1 (hemicentin 1; plus strand). Cytogenetic location: 1q31.1.
Variant type: single nucleotide variant.
Coding change: c.16142A>G on transcript NM_031935.3 (MANE Select); coding-DNA position 16142, A replaced by G.
Protein change: p.Asn5381Ser; replaces asparagine 5381 with serine.
Molecular consequence: missense variant.
Genome position (GRCh38, 1-based): chr1:186,178,614, A>G. VCF-style: chr1-186178614-A-G. GRCh37 (hg19) VCF-style: chr1-186147746-A-G.
Other names: short protein forms N5381S.
Identifiers: ClinVar variation 1960207 (VCV001960207.5), dbSNP rs752509751, ClinGen allele CA1295482.

ClinVar aggregate classification (germline): Uncertain significance (1 of 4 stars; one submission).

Allele frequency attached by ClinVar (database versions not stated): ExAC 0.00002; gnomAD exomes 0.00002.
gnomAD v4.1: 22 of 1,614,180 alleles (0.0014%); highest among the groups gnomAD compares: East Asian, 0.049%; no homozygotes.

Submission:

Labcorp Genetics (formerly Invitae), Labcorp
Classification: Uncertain significance. Last evaluated: 2024-10-09. Review status: criteria provided, single submitter. Criteria: Invitae Variant Classification Sherloc (09022015). Collection method: clinical testing. Allele origin: germline.
Comment: This sequence change replaces asparagine, which is neutral and polar, with serine, which is neutral and polar, at codon 5381 of the HMCN1 protein (p.Asn5381Ser). This variant is present in population databases (rs752509751, gnomAD 0.006%). This variant has not been reported in the literature in individuals affected with HMCN1-related conditions. ClinVar contains an entry for this variant (Variation ID: 1960207). An algorithm developed to predict the effect of missense changes on protein structure and function outputs the following: PolyPhen-2: "Benign". The serine amino acid residue is found in multiple mammalian species, which suggests that this missense change does not adversely affect protein function. In summary, the available evidence is currently insufficient to determine the role of this variant in disease. Therefore, it has been classified as a Variant of Uncertain Significance.